The following is an entry in ClinVar:

NM_001369769.2(KIFC2):c.1464C>T (p.Thr488=)

Gene: KIFC2 (kinesin family member C2; plus strand). Cytogenetic location: 8q24.3.
Variant type: single nucleotide variant.
Coding change: c.1464C>T on transcript NM_001369769.2 (MANE Select); coding-DNA position 1464, C replaced by T.
Protein change: p.Thr488=; no amino-acid change (threonine 488 retained).
Molecular consequence: synonymous variant.
Genome position (GRCh38, 1-based): chr8:144,472,025, C>T. VCF-style: chr8-144472025-C-T. GRCh37 (hg19) VCF-style: chr8-145697408-C-T.
Other names: c.1464C>T, p.Thr488= (NM_145754.5).
Identifiers: ClinVar variation 2658989 (VCV002658989.24), dbSNP rs370268148, ClinGen allele CA4944973.

ClinVar aggregate classification (germline): Likely benign (1 of 4 stars; one submission).

Allele frequency attached by ClinVar (database versions not stated): TOPMed 0.00008; ExAC 0.00010; ESP Exome Variant Server 0.00015; 1000 Genomes Project 30x 0.00016; 1000 Genomes Project 0.00020.
gnomAD v4.1: 51 of 1,613,468 alleles (0.0032%); highest among the groups gnomAD compares: Middle Eastern, 0.033%; no homozygotes.

Submission:

CeGaT Center for Human Genetics Tuebingen
Classification: Likely benign. Last evaluated: 2022-09-01. Review status: criteria provided, single submitter. Criteria: CeGaT Center For Human Genetics Tuebingen Variant Classification Criteria Version 2. Collection method: clinical testing. Allele origin: germline. Affected: yes. Observed: 1 variant allele.
Comment: KIFC2: BP4, BP7